The following is an entry in ClinVar:

ClinVar aggregate classification (germline): Uncertain significance (1 of 4 stars; one submission).

Submission:

Women's Health and Genetics/Laboratory Corporation of America, LabCorp
Classification: Uncertain significance. Last evaluated: 2026-05-28. Review status: criteria provided, single submitter. Criteria: LabCorp Variant Classification Summary - May 2015. Collection method: clinical testing. Allele origin: germline.
Comment: Variant summary: PIEZO2 c.5983G>A (p.Val1995Met) results in a conservative amino acid change in the encoded protein sequence. Algorithms developed to predict the effect of missense changes on protein structure and function all suggest that this variant is likely to be tolerated. The variant was absent in 141582 control chromosomes. The available data on variant occurrences in the general population are insufficient to allow any conclusion about variant significance. To our knowledge, no occurrence of c.5983G>A in individuals affected with PIEZO2-related conditions and no experimental evidence demonstrating its impact on protein function have been reported. No submitters have cited clinical-significance assessments for this variant to ClinVar. Based on the evidence outlined above, the variant was classified as uncertain significance.

NM_001378183.1(PIEZO2):c.6322G>A (p.Val2108Met)

Gene: PIEZO2 (piezo type mechanosensitive ion channel component 2; minus strand). Cytogenetic location: 18p11.22.
Variant type: single nucleotide variant.
Coding change: c.6322G>A on transcript NM_001378183.1 (MANE Select); coding-DNA position 6322, G replaced by A.
Protein change: p.Val2108Met; replaces valine 2108 with methionine.
Molecular consequence: missense variant.
Genome position (GRCh38, 1-based): chr18:10,702,108, C>T on the plus strand (G>A on the coding strand, the complement: PIEZO2 is on the minus strand). VCF-style: chr18-10702108-C-T. GRCh37 (hg19) VCF-style: chr18-10702106-C-T.
Other names: c.6058G>A, p.Val2020Met (NM_001410871.1); c.5983G>A, p.Val1995Met (NM_022068.4); short protein forms V1995M, V2020M, V2108M.
Identifiers: ClinVar variation 4853384 (VCV004853384.1).